The following is an entry in ClinVar:

ClinVar aggregate classification (germline): Uncertain significance. Review status: criteria provided, multiple submitters, no conflicts (2 of 4 stars). 5 submissions from 5 submitters: Uncertain significance (5). Last evaluated 2025-05-12.

Conditions:
GATA2 deficiency with susceptibility to MDS/AML. Identifiers: MedGen CN300066, MONDO:0042982.
Deafness-lymphedema-leukemia syndrome. Also called: Lymphedema, primary, with myelodysplasia; Emberger syndrome. Identifiers: Orphanet 3226, MedGen C3279664, MONDO:0013540, OMIM 614038.
Monocytopenia with susceptibility to infections. Also called: MONOCYTOPENIA AND MYCOBACTERIAL INFECTION SYNDROME; MONOCYTOPENIA WITH SUSCEPTIBILITY TO MYCOBACTERIAL, FUNGAL, AND PAPILLOMAVIRUS INFECTIONS AND MYELODYSPLASIA; COMBINED IMMUNODEFICIENCY WITH SUSCEPTIBILITY TO MYCOBACTERIAL, VIRAL, AND FUNGAL INFECTIONS; Dendritic cell, monocyte, B lymphocyte, and natural killer lymphocyte deficiency; GATA2 DEFICIENCY; IMMUNODEFICIENCY 21. Identifiers: Orphanet 228423, MedGen C3280030, MONDO:0013607, OMIM 614172.
Inborn genetic diseases. Identifiers: MedGen C0950123, MeSH D030342.

Allele frequency attached by ClinVar (database versions not stated): gnomAD 0.00001; gnomAD exomes 0.00001; TOPMed 0.00001; ExAC 0.00002.
gnomAD v4.1: 18 of 1,614,046 alleles (0.0011%); highest among the groups gnomAD compares: Non-Finnish European, 0.0013%; no homozygotes.

Submissions (5):

Labcorp Genetics (formerly Invitae), Labcorp
Classification: Uncertain significance for Monocytopenia with susceptibility to infections; Deafness-lymphedema-leukemia syndrome. Last evaluated: 2025-05-12. Review status: criteria provided, single submitter. Criteria: Invitae Variant Classification Sherloc (09022015). Collection method: clinical testing. Allele origin: germline.
Comment: This sequence change replaces alanine, which is neutral and non-polar, with serine, which is neutral and polar, at codon 438 of the GATA2 protein (p.Ala438Ser). This variant is present in population databases (rs768399393, gnomAD 0.008%). This variant has not been reported in the literature in individuals affected with GATA2-related conditions. ClinVar contains an entry for this variant (Variation ID: 658829). Invitae Evidence Modeling of protein sequence and biophysical properties (such as structural, functional, and spatial information, amino acid conservation, physicochemical variation, residue mobility, and thermodynamic stability) indicates that this missense variant is not expected to disrupt GATA2 protein function with a negative predictive value of 95%. In summary, the available evidence is currently insufficient to determine the role of this variant in disease. Therefore, it has been classified as a Variant of Uncertain Significance.

Ambry Genetics
Classification: Uncertain significance for Inborn genetic diseases. Last evaluated: 2024-12-17. Review status: criteria provided, single submitter. Criteria: Ambry Variant Classification Scheme 2023. Collection method: clinical testing. Allele origin: germline.
Comment: The p.A438S variant (also known as c.1312G>T), located in coding exon 5 of the GATA2 gene, results from a G to T substitution at nucleotide position 1312. The alanine at codon 438 is replaced by serine, an amino acid with similar properties. This amino acid position is not well conserved in available vertebrate species. In addition, this alteration is predicted to be tolerated by in silico analysis. Based on the available evidence, the clinical significance of this variant remains unclear.

ARUP Laboratories, Molecular Genetics and Genomics, ARUP Laboratories
Classification: Uncertain significance. Last evaluated: 2024-10-30. Review status: criteria provided, single submitter. Criteria: ARUP Molecular Germline Variant Investigation Process 2024. Collection method: clinical testing. Allele origin: germline.
Comment: The GATA2 c.1312G>T; p.Ala438Ser variant (rs768399393), to our knowledge, is not reported in the medical literature but is reported in ClinVar (Variation ID: 658829). This variant is only observed on three alleles in the Genome Aggregation Database (v2.1.1), indicating it is not a common polymorphism. Computational analyses are uncertain whether this variant is neutral or deleterious (REVEL: 0.271). Due to limited information, the clinical significance of this variant is uncertain at this time.

St. Jude Molecular Pathology, St. Jude Children's Research Hospital
Classification: Uncertain significance for GATA2 deficiency with susceptibility to MDS/AML. Last evaluated: 2024-08-13. Review status: criteria provided, single submitter. Criteria: St. Jude Assertion Criteria 2020. Collection method: clinical testing. Allele origin: germline.
Comment: The GATA2 c.1312G>T (p.Ala438Ser) missense change has a maximum subpopulation frequency of 0.0008% in gnomAD v2.1.1. The in silico tool REVEL predicts a benign effect on protein function, but to our knowledge this prediction has not been confirmed by functional studies. To our knowledge, this variant has not been reported in individuals presenting with GATA2-associated clinical phenotypes. In summary, the evidence currently available is insufficient to determine the clinical significance of this variant. It has therefore been classified as of uncertain significance.

Blueprint Genetics
Classification: Uncertain significance. Last evaluated: 2019-10-30. Review status: criteria provided, single submitter. Criteria: ACMG Guidelines, 2015. Collection method: clinical testing. Allele origin: germline.

NM_032638.5(GATA2):c.1312G>T (p.Ala438Ser)

Gene: GATA2 (GATA binding protein 2; minus strand). Cytogenetic location: 3q21.3.
Variant type: single nucleotide variant.
Coding change: c.1312G>T on transcript NM_032638.5 (MANE Select); coding-DNA position 1312, G replaced by T.
Protein change: p.Ala438Ser; replaces alanine 438 with serine.
Molecular consequence: missense variant.
Genome position (GRCh38, 1-based): chr3:128,481,150, C>A on the plus strand (G>T on the coding strand, the complement: GATA2 is on the minus strand). VCF-style: chr3-128481150-C-A. GRCh37 (hg19) VCF-style: chr3-128199993-C-A.
Other names: c.1312G>T, p.Ala438Ser (NM_001145661.2); c.1270G>T, p.Ala424Ser (NM_001145662.1); short protein forms A438S, A424S.
Identifiers: ClinVar variation 658829 (VCV000658829.12), dbSNP rs768399393, ClinGen allele CA2599803.